The following is an entry in ClinVar:

ClinVar aggregate classification (germline): Pathogenic/Likely pathogenic. Review status: criteria provided, multiple submitters, no conflicts (2 of 4 stars). 2 submissions from 2 submitters: Pathogenic (1); Likely pathogenic (1). Last evaluated 2025-01-01.

Conditions:
OCA2-related disorder. Also called: OCA2-related condition.
SKIN/HAIR/EYE PIGMENTATION 1, BLUE/NONBLUE EYES (SHEP1). Also called: BROWN EYE COLOR 2; EYE COLOR 3; EYE COLOR, BLUE/NONBLUE; EYE COLOR, BROWN/BLUE; HAIR COLOR 3; SKIN/HAIR/EYE PIGMENTATION 1, BLOND/BROWN HAIR. Identifiers: MedGen C1856895, OMIM 227220.
Tyrosinase-positive oculocutaneous albinism (OCA2). Also called: ALBINISM II; Oculocutaneous albinism type 2; Albinism, oculocutaneous, type II. Identifiers: Orphanet 79432, MedGen C0268495, MONDO:0008746, OMIM 203200.

Submissions (2):

Laboratory of Genetic Epidemiology, Research Centre for Medical Genetics
Classification: Pathogenic for SKIN/HAIR/EYE PIGMENTATION 1, BLUE/NONBLUE EYES; Tyrosinase-positive oculocutaneous albinism. Last evaluated: 2025-01-01. Review status: criteria provided, single submitter. Criteria: ACMG Guidelines, 2015. Collection method: clinical testing. Allele origin: unknown. Inheritance: Autosomal recessive inheritance. Affected: yes. Observed: 1 heterozygote.
Comment: This variant has been previously reported in the literature (PMID: 38030918) and is not listed in gnomAD v3.1.2. Taken together, the variant meets the following ACMG/AMP criteria and can be classified as pathogenic with PM2, PVS1, PM3, PP4 criteria.

Blueprint Genetics
Classification: Likely pathogenic for OCA2-related disorders. Last evaluated: 2020-01-13. Review status: criteria provided, single submitter. Criteria: ACMG Guidelines, 2015. Collection method: clinical testing. Allele origin: germline. Affected: yes. Observed: 1 variant allele.

Literature cited by the submitters: PubMed 41428507 (cited by Laboratory of Genetic Epidemiology, Research Centre for Medical Genetics).

NM_000275.3(OCA2):c.1982T>A (p.Leu661Ter)

Gene: OCA2 (OCA2 melanosomal transmembrane protein; minus strand). Cytogenetic location: 15q13.1.
Variant type: single nucleotide variant.
Coding change: c.1982T>A on transcript NM_000275.3 (MANE Select); coding-DNA position 1982, T replaced by A.
Protein change: p.Leu661Ter; replaces leucine 661 with a stop codon.
Molecular consequence: nonsense.
Genome position (GRCh38, 1-based): chr15:27,926,224, A>T on the plus strand (T>A on the coding strand, the complement: OCA2 is on the minus strand). VCF-style: chr15-27926224-A-T. GRCh37 (hg19) VCF-style: chr15-28171370-A-T.
Other names: c.1910T>A, p.Leu637Ter (NM_001300984.2); short protein forms L637*, L661*.
Identifiers: ClinVar variation 4077120 (VCV004077120.2).